The following is an entry in ClinVar:

NM_031418.4(ANO3):c.2939G>A (p.Trp980Ter)

Gene: ANO3 (anoctamin 3; plus strand). Cytogenetic location: 11p14.2.
Variant type: single nucleotide variant.
Coding change: c.2939G>A on transcript NM_031418.4 (MANE Select); coding-DNA position 2939, G replaced by A.
Protein change: p.Trp980Ter; replaces tryptophan 980 with a stop codon.
Molecular consequence: nonsense.
Genome position (GRCh38, 1-based): chr11:26,660,437, G>A. VCF-style: chr11-26660437-G-A. GRCh37 (hg19) VCF-style: chr11-26681984-G-A.
Other names: c.3122G>A, p.Trp1041Ter (NM_001313726.2); c.2501G>A, p.Trp834Ter (NM_001313727.2); short protein forms W1041*, W834*, W980*.
Identifiers: ClinVar variation 3340850 (VCV003340850.1).

ClinVar aggregate classification (germline): Uncertain significance (1 of 4 stars; one submission).

Submission:

GeneDx
Classification: Uncertain significance. Last evaluated: 2024-02-08. Review status: criteria provided, single submitter. Criteria: GeneDx Variant Classification Process June 2021. Collection method: clinical testing. Allele origin: germline. Affected: yes.
Comment: Not observed at significant frequency in large population cohorts (gnomAD); Has not been previously published as pathogenic or benign to our knowledge; Nonsense variant predicted to result in protein truncation as the last 2 amino acids are lost in a gene for which loss-of-function is not an established mechanism of disease